The following is an entry in ClinVar:

ClinVar aggregate classification (germline): Uncertain significance. Review status: criteria provided, multiple submitters, no conflicts (2 of 4 stars). 2 submissions from 2 submitters: Uncertain significance (2). Last evaluated 2022-07-19.

Conditions:
Fanconi renotubular syndrome 1. Also called: Toni-Debre-Fanconi syndrome; Neonatal De Toni-Debre-Fanconi syndrome; De Toni-Fanconi syndrome; FRTS1; LUDER-SHELDON SYNDROME. Identifiers: MedGen C4551503, MONDO:0024525, OMIM 134600.
Arginine:glycine amidinotransferase deficiency (CCDS3). Also called: AGAT deficiency; Creatine deficiency syndrome due to AGAT deficiency; GATM deficiency; L-Arginine:Glycine Amidinotransferase (AGAT) Deficiency; Cerebral creatine deficiency syndrome 3; L-Arginine:Glycine Amidinotransferase Deficiency. Identifiers: Orphanet 35704, MedGen C2675179, MONDO:0012996, OMIM 612718.

Allele frequency attached by ClinVar (database versions not stated): gnomAD exomes below 0.00001; TOPMed below 0.00001.
gnomAD v4.1: 1 of 1,612,168 alleles (0.000062%); highest among the groups gnomAD compares: African/African-American, 0.0013%; no homozygotes.

Submissions (2):

Labcorp Genetics (formerly Invitae), Labcorp
Classification: Uncertain significance for Arginine:glycine amidinotransferase deficiency. Last evaluated: 2022-07-19. Review status: criteria provided, single submitter. Criteria: Invitae Variant Classification Sherloc (09022015). Collection method: clinical testing. Allele origin: germline.
Comment: This sequence change falls in intron 7 of the GATM gene. It does not directly change the encoded amino acid sequence of the GATM protein. It affects a nucleotide within the consensus splice site. This variant is not present in population databases (gnomAD no frequency). This variant has not been reported in the literature in individuals affected with GATM-related conditions. ClinVar contains an entry for this variant (Variation ID: 944364). Variants that disrupt the consensus splice site are a relatively common cause of aberrant splicing (PMID: 17576681, 9536098). Algorithms developed to predict the effect of sequence changes on RNA splicing suggest that this variant is not likely to affect RNA splicing. In summary, the available evidence is currently insufficient to determine the role of this variant in disease. Therefore, it has been classified as a Variant of Uncertain Significance.

Fulgent Genetics
Classification: Uncertain significance for Fanconi renotubular syndrome 1; Arginine:glycine amidinotransferase deficiency. Last evaluated: 2022-02-03. Review status: criteria provided, single submitter. Criteria: ACMG Guidelines, 2015. Collection method: clinical testing. Allele origin: unknown.

Literature cited by the submitters: PubMed 17576681 (cited by Labcorp Genetics (formerly Invitae), Labcorp); PubMed 9536098 (cited by Labcorp Genetics (formerly Invitae), Labcorp).

NM_001482.3(GATM):c.1042+4T>C

Gene: GATM (glycine amidinotransferase; minus strand). Cytogenetic location: 15q21.1.
Variant type: single nucleotide variant.
Coding change: c.1042+4T>C on transcript NM_001482.3 (MANE Select); 4 bases into the intron after coding-DNA position 1042, T replaced by C.
Molecular consequence: intron variant.
Genome position (GRCh38, 1-based): chr15:45,364,793, A>G on the plus strand (T>C on the coding strand, the complement: GATM is on the minus strand). VCF-style: chr15-45364793-A-G. GRCh37 (hg19) VCF-style: chr15-45656991-A-G.
Other names: c.655+4T>C (NM_001321015.2).
Identifiers: ClinVar variation 944364 (VCV000944364.8), dbSNP rs1191624574, ClinGen allele CA713141478.
Genomic context (GRCh38, chr15:45,364,793, plus strand): 5'-GGAGAAAGATCCTTGGTCACTAAAGTAATTATTTTAGTCTAACAGTGTATGAAAGTAAAC[A>G]TACCGTCTGGGATGATTGGTGTTGGAGGAGTAATGATAGTCCATCCTGCTTTCTTGAAAA-3'